The following is an entry in ClinVar:

NM_014994.3(MAPKBP1):c.3208_3209del (p.Leu1070fs)

Gene: MAPKBP1 (mitogen-activated protein kinase binding protein 1; plus strand). Cytogenetic location: 15q15.1.
Variant type: Microsatellite.
Coding change: c.3208_3209del on transcript NM_014994.3 (MANE Select); coding-DNA positions 3208 to 3209, 2 bases deleted (CT; older notation c.3208_3209delCT).
Protein change: p.Leu1070fs; shifts the reading frame from leucine 1070.
Molecular consequence: frameshift variant. On other transcripts: non-coding transcript variant (2).
Genome position (GRCh38, 1-based): chr15:41,822,401-41,822,402, CT deleted; deleting any 2 consecutive bases within chr15:41,822,399-41,822,402 gives the same sequence; the c. name uses the placement nearest the transcript's 3' end. VCF-style (leftmost placement, unchanged base first): chr15-41822398-ACT-A. GRCh37 (hg19) VCF-style: chr15-42114596-ACT-A.
Other names: c.3226_3227del, p.Leu1076fs (NM_001128608.2); c.3208_3209del, p.Leu1070fs (NM_001265611.2); short protein forms L1076fs, L1070fs.
Identifiers: ClinVar variation 5005395 (VCV005005395.2).
Genomic context (GRCh38, chr15:41,822,398, plus strand): 5'-CTACAGGAGGGCAGCCCCCAGACTCCAGACCAGGAGCAGTTTCTAAAACAGCACTTTGAG[ACT>A]CTGGCCAGTGGAGCTGCTCCAGGTGTGGTCAGAGGGCCAGCATTTAGTGCCTGCAATTTG-3'

ClinVar aggregate classification (germline): Likely pathogenic (1 of 4 stars; one submission).

Conditions:
Nephronophthisis 20 (NPHP20). Identifiers: MedGen C4310640, MONDO:0014997, OMIM 617271.

Submission:

Juno Genomics, Hangzhou Juno Genomics, Inc
Classification: Likely pathogenic for Nephronophthisis 20. Review status: criteria provided, single submitter. Criteria: ACMG Guidelines, 2015. Collection method: clinical testing. Allele origin: germline.
Comment: Null variant in a gene where loss of function (LOF) is a known mechanism of disease.;Absent from controls (or at extremely low frequency if recessive) in Genome Aggregation Database.